The following is an entry in ClinVar:

ClinVar aggregate classification (germline): Uncertain significance. Review status: criteria provided, multiple submitters, no conflicts (2 of 4 stars). 2 submissions from 2 submitters: Uncertain significance (2). Last evaluated 2025-08-13.

gnomAD v4.1: 10 of 1,574,312 alleles (0.00064%); highest among the groups gnomAD compares: Non-Finnish European, 0.00086%; no homozygotes.

Submissions (2):

Labcorp Genetics (formerly Invitae), Labcorp
Classification: Uncertain significance. Last evaluated: 2025-08-13. Review status: criteria provided, single submitter. Criteria: Invitae Variant Classification Sherloc (09022015). Collection method: clinical testing. Allele origin: germline.
Comment: This sequence change replaces arginine, which is basic and polar, with serine, which is neutral and polar, at codon 258 of the TNFRSF6B protein (p.Arg258Ser). This variant is not present in population databases (gnomAD no frequency). This variant has not been reported in the literature in individuals affected with TNFRSF6B-related conditions. ClinVar contains an entry for this variant (Variation ID: 1401467). An algorithm developed to predict the effect of missense changes on protein structure and function (PolyPhen-2) suggests that this variant is likely to be tolerated. In summary, the available evidence is currently insufficient to determine the role of this variant in disease. Therefore, it has been classified as a Variant of Uncertain Significance.

Revvity Omics, Revvity
Classification: Uncertain significance. Last evaluated: 2021-09-07. Review status: criteria provided, single submitter. Criteria: ACMG Guidelines, 2015. Collection method: clinical testing. Allele origin: germline.

NM_003823.4(TNFRSF6B):c.772C>A (p.Arg258Ser)

Genes: RTEL1-TNFRSF6B (RTEL1-TNFRSF6B readthrough (NMD candidate); plus strand), TNFRSF6B (TNF receptor superfamily member 6b; plus strand). Cytogenetic location: 20q13.33.
Variant type: single nucleotide variant.
Coding change: c.772C>A on transcript NM_003823.4 (MANE Select); coding-DNA position 772, C replaced by A.
Protein change: p.Arg258Ser; replaces arginine 258 with serine.
Molecular consequence: missense variant. On other transcripts: non-coding transcript variant (1).
Genome position (GRCh38, 1-based): chr20:63,698,432, C>A. VCF-style: chr20-63698432-C-A. GRCh37 (hg19) VCF-style: chr20-62329785-C-A.
Other names: short protein forms R258S.
Identifiers: ClinVar variation 1401467 (VCV001401467.10), dbSNP rs570762078, ClinGen allele CA317536271.